The following is an entry in ClinVar:

ClinVar aggregate classification (germline): Benign/Likely benign. Review status: criteria provided, multiple submitters, no conflicts (2 of 4 stars). 12 submissions from 12 submitters: Benign (8); Likely benign (3). 1 of the submissions does not count toward it. Last evaluated 2026-07-01.

Conditions:
Neurofibromatosis, type 2 (SWNV). Also called: SCHWANNOMATOSIS, VESTIBULAR; NF2-Related Schwannomatosis; BILATERAL ACOUSTIC NEUROFIBROMATOSIS. Identifiers: Orphanet 637, MedGen C0027832, MONDO:0007039, OMIM 101000. Disease mechanism: loss of function.
NF2-related disorder. Also called: NF2-related condition.
Hereditary cancer-predisposing syndrome. Also called: Hereditary neoplastic syndrome; Neoplastic Syndromes, Hereditary; Hereditary Cancer Syndrome; Tumor predisposition. Identifiers: Orphanet 140162, MedGen C0027672, MeSH D009386, MONDO:0015356.

Allele frequency attached by ClinVar (database versions not stated): gnomAD exomes 0.00007 and 0.00016; ESP Exome Variant Server 0.00054; ExAC 0.00061; gnomAD 0.00078 and 0.00081; TOPMed 0.00087; 1000 Genomes Project 30x 0.00172; 1000 Genomes Project 0.00180.
gnomAD v4.1: 224 of 1,573,120 alleles (0.014%); highest among the groups gnomAD compares: African/African-American, 0.27%; no homozygotes.

Submissions (12):

CeGaT Center for Human Genetics Tuebingen
Classification: Likely benign. Last evaluated: 2026-07-01. Review status: criteria provided, single submitter. Criteria: CeGaT Center For Human Genetics Tuebingen Variant Classification Criteria Version 2. Collection method: clinical testing. Allele origin: germline. Affected: yes. Observed: 1 variant allele.
Comment: NF2: BP4, BP7

Labcorp Genetics (formerly Invitae), Labcorp
Classification: Benign for Neurofibromatosis, type 2. Last evaluated: 2026-01-26. Review status: criteria provided, single submitter. Criteria: Invitae Variant Classification Sherloc (09022015). Collection method: clinical testing. Allele origin: germline.

Blueprint Genetics
Classification: Benign. Last evaluated: 2024-11-25. Review status: criteria provided, single submitter. Criteria: ACMG Guidelines, 2015. Collection method: clinical testing. Allele origin: germline.

KCCC/NGS Laboratory, Kuwait Cancer Control Center
Classification: Benign for Neurofibromatosis, type 2. Last evaluated: 2023-07-07. Review status: criteria provided, single submitter. Criteria: ACMG Guidelines, 2015. Collection method: clinical testing. Allele origin: germline. Affected: yes.

Color Diagnostics, LLC DBA Color Health
Classification: Benign for Neurofibromatosis, type 2. Last evaluated: 2022-10-24. Review status: criteria provided, single submitter. Criteria: ACMG Guidelines, 2015. Collection method: clinical testing. Allele origin: germline.

Genome-Nilou Lab
Classification: Benign for Neurofibromatosis, type 2. Last evaluated: 2021-11-07. Review status: criteria provided, single submitter. Criteria: ACMG Guidelines, 2015. Collection method: clinical testing. Allele origin: germline. Affected: no.

Sema4
Classification: Benign for Hereditary cancer-predisposing syndrome. Last evaluated: 2021-08-23. Review status: criteria provided, single submitter. Criteria: Sema4 Curation Guidelines. Collection method: curation. Allele origin: germline.

Women's Health and Genetics/Laboratory Corporation of America, LabCorp
Classification: Benign. Last evaluated: 2018-11-19. Review status: criteria provided, single submitter. Criteria: LabCorp Variant Classification Summary - May 2015. Collection method: clinical testing. Allele origin: germline.
Comment: Variant summary: NF2 c.1416C>T alters a non-conserved nucleotide resulting in a synonymous change. 5/5 computational tools predict no significant impact on normal splicing. However, these predictions have yet to be confirmed by functional studies. The variant allele was found at a frequency of 0.0003 in 208386 control chromosomes, predominantly at a frequency of 0.0033 within the African subpopulation in the gnomAD database. The observed variant frequency within African control individuals in the gnomAD database is approximately 174 fold of the estimated maximal expected allele frequency for a pathogenic variant in NF2 causing Neurofibromatosis Type 2 phenotype (1.9e-05), strongly suggesting that the variant is a benign polymorphism found primarily in populations of African origin. To our knowledge, no occurrence of c.1416C>T in individuals affected with Neurofibromatosis Type 2 and no experimental evidence demonstrating its impact on protein function have been reported. Three clinical diagnostic laboratories have submitted clinical-significance assessments for this variant to ClinVar after 2014 without evidence for independent evaluation. All laboratories classified the variant as benign/likely benign. Based on the evidence outlined above, the variant was classified as benign.

Ambry Genetics
Classification: Likely benign for Hereditary cancer-predisposing syndrome. Last evaluated: 2017-03-20. Review status: criteria provided, single submitter. Criteria: Ambry Variant Classification Scheme 2023. Collection method: clinical testing. Allele origin: germline.

Athena Diagnostics
Classification: Benign. Last evaluated: 2016-12-30. Review status: criteria provided, single submitter. Criteria: Athena Diagnostics Criteria. Collection method: clinical testing. Allele origin: germline.

Breakthrough Genomics
Classification: Likely benign. Review status: criteria provided, single submitter. Criteria: ACMG Guidelines, 2015. Collection method: not provided. Allele origin: germline. Inheritance: Autosomal dominant inheritance. Affected: yes.

PreventionGenetics, part of Exact Sciences
Classification: Likely benign for NF2-related condition. Last evaluated: 2022-01-10. Review status: no assertion criteria provided. Collection method: clinical testing. Allele origin: germline. Not counted in ClinVar's aggregate classification.
Comment: This variant is classified as likely benign based on ACMG/AMP sequence variant interpretation guidelines (Richards et al. 2015 PMID: 25741868, with internal and published modifications).

Literature cited by the submitters: PubMed 26343386 (cited by Athena Diagnostics).

NM_000268.4(NF2):c.1416C>T (p.Leu472=)

Gene: NF2 (NF2, moesin-ezrin-radixin like (MERLIN) tumor suppressor; plus strand). Cytogenetic location: 22q12.2.
Variant type: single nucleotide variant.
Coding change: c.1416C>T on transcript NM_000268.4 (MANE Select); coding-DNA position 1416, C replaced by T.
Protein change: p.Leu472=; no amino-acid change (leucine 472 retained).
Molecular consequence: synonymous variant. On other transcripts: non-coding transcript variant (1), intron variant (1).
Genome position (GRCh38, 1-based): chr22:29,674,911, C>T. VCF-style: chr22-29674911-C-T. GRCh37 (hg19) VCF-style: chr22-30070900-C-T.
Other names: c.1416C>T, p.Leu472= (NM_016418.5, NM_181825.3, NM_181832.3); c.1290C>T, p.Leu430= (NM_181828.3); c.1293C>T, p.Leu431= (NM_181829.3); c.1167C>T, p.Leu389= (NM_181830.3, NM_181831.3); c.448-19841C>T (NM_181833.3); c.1416C>T (NM_181832.2).
Identifiers: ClinVar variation 417150 (VCV000417150.27), dbSNP rs148776784, ClinGen allele CA031289.